The following is an entry in ClinVar:

NM_003076.5(SMARCD1):c.107C>T (p.Pro36Leu)

Genes: SMARCD1 (SWI/SNF related BAF chromatin remodeling complex subunit D1; plus strand), LOC130007872 (ATAC-STARR-seq lymphoblastoid silent region 4446; plus strand). Cytogenetic location: 12q13.12.
Variant type: single nucleotide variant.
Coding change: c.107C>T on transcript NM_003076.5 (MANE Select); coding-DNA position 107, C replaced by T.
Protein change: p.Pro36Leu; replaces proline 36 with leucine.
Molecular consequence: missense variant.
Genome position (GRCh38, 1-based): chr12:50,085,476, C>T. VCF-style: chr12-50085476-C-T. GRCh37 (hg19) VCF-style: chr12-50479259-C-T.
Other names: c.107C>T, p.Pro36Leu (NM_139071.3); short protein forms P36L.
Identifiers: ClinVar variation 1805057 (VCV001805057.3), dbSNP rs1161194005, ClinGen allele CA384786176.

ClinVar aggregate classification (germline): Uncertain significance. Review status: criteria provided, multiple submitters, no conflicts (2 of 4 stars). 3 submissions from 3 submitters: Uncertain significance (3). Last evaluated 2023-12-15.

Conditions:
Coffin-Siris syndrome 11. Identifiers: MedGen C5241442, MONDO:0032912, OMIM 618779.
Inborn genetic diseases. Identifiers: MedGen C0950123, MeSH D030342.

Allele frequency attached by ClinVar (database versions not stated): gnomAD exomes below 0.00001; gnomAD 0.00001.
gnomAD v4.1: 6 of 1,239,446 alleles (0.00048%); highest among the groups gnomAD compares: East Asian, 0.0094%; no homozygotes.

Submissions (3):

Ambry Genetics
Classification: Uncertain significance for Inborn genetic diseases. Last evaluated: 2023-12-15. Review status: criteria provided, single submitter. Criteria: Ambry Variant Classification Scheme 2023. Collection method: clinical testing. Allele origin: germline.

Victorian Clinical Genetics Services, Murdoch Childrens Research Institute
Classification: Uncertain significance for Coffin-Siris syndrome 11. Last evaluated: 2022-02-02. Review status: criteria provided, single submitter. Criteria: ACMG Guidelines, 2015. Collection method: clinical testing. Allele origin: germline. Inheritance: Autosomal dominant inheritance. Affected: yes.
Comment: Based on the classification scheme VCGS_Germline_v1.3.4, this variant is classified as VUS-3B. Following criteria are met: 0105 - The mechanism of disease for this gene is not clearly established. (I) 0107 - This gene is associated with autosomal dominant disease. (I) 0200 - Variant is predicted to result in a missense amino acid change from proline to leucine. (I) 0251 - This variant is heterozygous. (I) 0302 - Variant is present in gnomAD (v3) <0.001 for a dominant condition (1 heterozygote, 0 homozygote). (SP) 0502 - Missense variant with conflicting in silico predictions and high conservation. (I) 0604 - Variant is not located in an established domain, motif, hotspot or informative constraint region. (I) 0705 - No comparable missense variants have previous evidence for pathogenicity. (I) 0807 - This variant has no previous evidence of pathogenicity. (I) 0905 - No published segregation evidence has been identified for this variant. (I) 1007 - No published functional evidence has been identified for this variant. (I) 1208 - Inheritance information for this variant is not currently available in this individual. (I) Legend: (SP) - Supporting pathogenic, (I) - Information, (SB) - Supporting benign

Blueprint Genetics
Classification: Uncertain significance. Last evaluated: 2020-10-26. Review status: criteria provided, single submitter. Criteria: ACMG Guidelines, 2015. Collection method: clinical testing. Allele origin: germline.